The following is an entry in ClinVar:

NM_000282.4(PCCA):c.1750del (p.Glu584fs)

Gene: PCCA (propionyl-CoA carboxylase subunit alpha; plus strand). Cytogenetic location: 13q32.3.
Variant type: Deletion.
Coding change: c.1750del on transcript NM_000282.4 (MANE Select); coding-DNA position 1750, one base deleted (G; older notation c.1750delG).
Protein change: p.Glu584fs; shifts the reading frame from glutamic acid 584.
Molecular consequence: frameshift variant. On other transcripts: non-coding transcript variant (5).
Genome position (GRCh38, 1-based): chr13:100,425,636, G deleted; the last of 2 consecutive G bases (chr13:100,425,635-100,425,636); deleting either gives the same sequence. VCF-style (leftmost placement, unchanged base first): chr13-100425634-TG-T. GRCh37 (hg19) VCF-style: chr13-101077888-TG-T.
Other names: c.1672del, p.Glu558fs (NM_001127692.3, NM_001352607.2); c.1750del, p.Glu584fs (NM_001178004.2, NM_001352605.2, NM_001352609.2); c.1606del, p.Glu536fs (NM_001352606.2); c.1528del, p.Glu510fs (NM_001352608.2); c.805del, p.Glu269fs (NM_001352610.2, NM_001352611.2); c.661del, p.Glu221fs (NM_001352612.2); short protein forms E221fs, E269fs, E510fs, E536fs, E558fs, E584fs.
Identifiers: ClinVar variation 1724811 (VCV001724811.2), dbSNP rs2548676658, ClinGen allele CA2580086971.

ClinVar aggregate classification (germline): Likely pathogenic (1 of 4 stars; one submission).

Conditions:
Propionic acidemia (PROP). Also called: GLYCINEMIA, KETOTIC; HYPERGLYCINEMIA WITH KETOACIDOSIS AND LEUKOPENIA; KETOTIC HYPERGLYCINEMIA. Identifiers: Orphanet 35, MedGen C0268579, MONDO:0011628, OMIM 606054, HP:0003571.

Submission:

Myriad Genetics, Inc.
Classification: Likely pathogenic for Propionic acidemia. Last evaluated: 2022-02-28. Review status: criteria provided, single submitter. Criteria: Myriad Women's Health Autosomal Recessive and X-Linked Classification Criteria (2021). Collection method: clinical testing. Allele origin: unknown.
Comment: NM_000282.3(PCCA):c.1750delG(E584Kfs*7) is expected to be pathogenic in the context of PCCA-related propionic acidemia. This variant is predicted to lead to an abnormal or absent protein product due to the creation of a premature termination codon in PCCA, a gene where loss-of-function variants are known to be pathogenic. Please note: this variant was assessed in the context of healthy population screening.